The following is an entry in ClinVar:

NM_000152.5(GAA):c.1061del (p.Tyr354fs)

Gene: GAA (alpha glucosidase; plus strand). Cytogenetic location: 17q25.3.
Variant type: Deletion.
Coding change: c.1061del on transcript NM_000152.5 (MANE Select); coding-DNA position 1061, one base deleted (A; older notation c.1061delA).
Protein change: p.Tyr354fs; shifts the reading frame from tyrosine 354.
Molecular consequence: frameshift variant.
Genome position (GRCh38, 1-based): chr17:80,108,395, A deleted. VCF-style (leftmost placement, unchanged base first): chr17-80108394-TA-T. GRCh37 (hg19) VCF-style: chr17-78082193-TA-T.
Other names: c.1061del, p.Tyr354fs (NM_001079803.3, NM_001079804.3, NM_001406741.1 and 1 more transcripts); short protein forms Y354fs.
Identifiers: ClinVar variation 4876328 (VCV004876328.1).

ClinVar aggregate classification (germline): Pathogenic (1 of 4 stars; one submission).

Conditions:
Glycogen storage disease, type II (IOPD). Also called: Pompe Disease; CARDIOMEGALIA GLYCOGENICA DIFFUSA; GLYCOGENOSIS, GENERALIZED, CARDIAC FORM; GSD II; POMPE DISEASE, INFANTILE-ONSET; GLYCOGEN STORAGE DISEASE II, INFANTILE-ONSET. Identifiers: Orphanet 365, MedGen C0017921, MONDO:0009290, OMIM 232300.

Submission:

Genomenon, Inc
Classification: Pathogenic for Glycogen storage disease, type II. Last evaluated: 2026-07-01. Review status: criteria provided, single submitter. Criteria: Genomenon Sequence Variant Interpretation Standards - Updated. Collection method: curation. Allele origin: germline. Affected: yes.
Comment: GAA p.Tyr354SerfsTer38 (c.1061del) is a frameshift variant that is predicted to introduce a premature termination codon and result in a truncated or absent protein product. This variant has been observed in at least one proband with a GAA-related disorder (PMID:35943460;25085675). It is absent or not present at a significant frequency in gnomAD. In conclusion, we classify GAA p.Tyr354SerfsTer38 (c.1061del) as a pathogenic variant.

Literature cited by the submitters: PubMed 35943460; PubMed 25085675.